The following is an entry in ClinVar:

NM_001017420.3(ESCO2):c.294_297del (p.Arg99fs)

Gene: ESCO2 (establishment of sister chromatid cohesion N-acetyltransferase 2; plus strand). Cytogenetic location: 8p21.1.
Variant type: Microsatellite.
Coding change: c.294_297del on transcript NM_001017420.3 (MANE Select); coding-DNA positions 294 to 297, 4 bases deleted (GAGA; older notation c.294_297delGAGA).
Protein change: p.Arg99fs; shifts the reading frame from arginine 99.
Molecular consequence: frameshift variant.
Genome position (GRCh38, 1-based): chr8:27,776,602-27,776,605, GAGA deleted; deleting any 4 consecutive bases within chr8:27,776,600-27,776,605 gives the same sequence; the c. name uses the placement nearest the transcript's 3' end. VCF-style (leftmost placement, unchanged base first): chr8-27776599-GGAGA-G. GRCh37 (hg19) VCF-style: chr8-27634116-GGAGA-G.
Other names: c.294_297del (NM_001017420.2); c.294_297delGAGA (NM_001017420.3); short protein forms R99fs.
Identifiers: ClinVar variation 21242 (VCV000021242.20), dbSNP rs80359845, ClinGen allele CA341788.

ClinVar aggregate classification (germline): Pathogenic. Review status: criteria provided, multiple submitters, no conflicts (2 of 4 stars). 7 submissions from 7 submitters: Pathogenic (6). 1 of the submissions does not count toward it. Last evaluated 2026-01-05.

Conditions:
Roberts-SC phocomelia syndrome (RBS). Also called: Hypomelia hypotrichosis facial hemangioma syndrome; LONG BONE DEFICIENCIES ASSOCIATED WITH CLEFT LIP-PALATE; Pseudothalidomide syndrome; Appelt-Gerken-Lenz syndrome; ESCO2 Spectrum Disorder. Identifiers: Orphanet 3103, MedGen C0392475, MONDO:0100253, OMIM 268300.
Juberg-Hayward syndrome (JHS). Also called: OROCRANIODIGITAL SYNDROME; Cleft lip/palate with abnormal thumbs and microcephaly. Identifiers: Orphanet 2319, MedGen C0796099, MONDO:0008992, OMIM 216100.

Submissions (7):

Women's Health and Genetics/Laboratory Corporation of America, LabCorp
Classification: Pathogenic for Roberts-SC phocomelia syndrome. Last evaluated: 2026-01-05. Review status: criteria provided, single submitter. Criteria: LabCorp Variant Classification Summary - May 2015. Collection method: clinical testing. Allele origin: germline.
Comment: Variant summary: ESCO2 c.294_297delGAGA (p.Arg99SerfsX2) results in a premature termination codon, predicted to cause a truncation of the encoded protein or absence of the protein due to nonsense mediated decay, which are commonly known mechanisms for disease. The variant allele was found at a frequency of 3.2e-05 in 251054 control chromosomes. c.294_297delGAGA has been observed in at least 1 individual(s) affected with Roberts-SC phocomelia syndrome (Gordillo_2008). The following publication has been ascertained in the context of this evaluation (PMID: 18411254). ClinVar contains an entry for this variant (Variation ID: 21242). Based on the evidence outlined above, the variant was classified as pathogenic.

Labcorp Genetics (formerly Invitae), Labcorp
Classification: Pathogenic. Last evaluated: 2025-12-17. Review status: criteria provided, single submitter. Criteria: Invitae Variant Classification Sherloc (09022015). Collection method: clinical testing. Allele origin: germline.
Comment: This sequence change creates a premature translational stop signal (p.Arg99Serfs*2) in the ESCO2 gene. It is expected to result in an absent or disrupted protein product. Loss-of-function variants in ESCO2 are known to be pathogenic (PMID: 15821733, 16380922). This variant is present in population databases (rs754138353, gnomAD 0.05%). This premature translational stop signal has been observed in individual(s) with Roberts syndrome (PMID: 18411254). ClinVar contains an entry for this variant (Variation ID: 21242). For these reasons, this variant has been classified as Pathogenic.

Revvity Omics, Revvity
Classification: Pathogenic. Last evaluated: 2024-09-20. Review status: criteria provided, single submitter. Criteria: ACMG Guidelines, 2015. Collection method: clinical testing. Allele origin: germline.

Fulgent Genetics
Classification: Pathogenic for Juberg-Hayward syndrome; Roberts-SC phocomelia syndrome. Last evaluated: 2024-02-24. Review status: criteria provided, single submitter. Criteria: ACMG Guidelines, 2015. Collection method: clinical testing. Allele origin: germline.

Centre for Mendelian Genomics, University Medical Centre Ljubljana
Classification: Pathogenic for Roberts-SC phocomelia syndrome. Last evaluated: 2019-01-10. Review status: criteria provided, single submitter. Criteria: ACMG Guidelines, 2015. Collection method: clinical testing. Allele origin: unknown. Affected: yes.
Comment: This variant was classified as: Pathogenic. The following ACMG criteria were applied in classifying this variant: PVS1,PS1,PM2. This variant was detected in homozygous state.

Laboratory for Molecular Medicine, Mass General Brigham Personalized Medicine
Classification: Pathogenic for Roberts-SC phocomelia syndrome. Last evaluated: 2014-09-05. Review status: criteria provided, single submitter. Criteria: LMM Criteria. Collection method: clinical testing. Allele origin: germline. Inheritance: Autosomal recessive inheritance. Observed: 1 variant allele. Study: CSER-MedSeq.
Comment: The p.Arg99SerfsX2 variant in ESCO2 has been reported in 1 individual with Roberts syndrome (Gordillo 2008), and data from large population studies is insufficient to assess the frequency of this variant. This frameshift variant is predicted to alter the protein’s amino acid sequence beginning at position 99 and lead to a premature termination codon 2 amino acids downstream. This alteration is then predicted to lead to a truncated or absent protein. Loss-of-function variants in ESCO2 have been shown to cause Roberts syndrome. In summary, this variant meets our criteria to be classified as pathogenic for Roberts syndrome acting in a recessive manner.

GeneReviews
No classification provided. Condition: Roberts-SC phocomelia syndrome. Review status: no classification provided. Collection method: literature only. Allele origin: unknown. Not counted in ClinVar's aggregate classification.

Literature cited by the submitters: PubMed 18411254 (cited by 4 submitters); PubMed 15821733 (cited by Labcorp Genetics (formerly Invitae), Labcorp); PubMed 16380922 (cited by Labcorp Genetics (formerly Invitae), Labcorp); PubMed 20301332 (cited by GeneReviews); NCBI Bookshelf NBK1153 (cited by GeneReviews).